The following is an entry in ClinVar:

ClinVar aggregate classification (germline): Likely benign (1 of 4 stars; one submission).

Submission:

CeGaT Center for Human Genetics Tuebingen
Classification: Likely benign. Last evaluated: 2025-12-01. Review status: criteria provided, single submitter. Criteria: CeGaT Center For Human Genetics Tuebingen Variant Classification Criteria Version 2. Collection method: clinical testing. Allele origin: germline. Affected: yes. Observed: 2 variant alleles.
Comment: TAF2: PM2:Supporting, BP4, BP7

NM_003184.4(TAF2):c.3338-550G>T

Gene: TAF2 (TATA-box binding protein associated factor 2; minus strand). Cytogenetic location: 8q24.12.
Variant type: single nucleotide variant.
Coding change: c.3338-550G>T on transcript NM_003184.4 (MANE Select); 550 bases into the intron before coding-DNA position 3338, G replaced by T.
Molecular consequence: intron variant.
Genome position (GRCh38, 1-based): chr8:119,732,736, C>A on the plus strand (G>T on the coding strand, the complement: TAF2 is on the minus strand). VCF-style: chr8-119732736-C-A. GRCh37 (hg19) VCF-style: chr8-120744976-C-A.
Identifiers: ClinVar variation 2658781 (VCV002658781.24), dbSNP rs1368681957, ClinGen allele CA2695201525.
Genomic context (GRCh38, chr8:119,732,736, plus strand): 5'-TGCCTGTAATCCCAGGTACTTGGGAGGCTGAGGTAGGAGAATCACTTGAACCTGGGAGGC[C>A]GAGGTTGCAGTGAGCTGAGATCGTGTCACTGCACTCCAGCCTGGGTGATAGAGTGAGACT-3'